The following is an entry in ClinVar:

NM_001112732.3(MCF2L):c.1887G>A (p.Ala629=)

Gene: MCF2L (MCF.2 cell line derived transforming sequence like; plus strand). Cytogenetic location: 13q34.
Variant type: single nucleotide variant.
Coding change: c.1887G>A on transcript NM_001112732.3 (MANE Select); coding-DNA position 1887, G replaced by A.
Protein change: p.Ala629=; no amino-acid change (alanine 629 retained).
Molecular consequence: synonymous variant.
Genome position (GRCh38, 1-based): chr13:113,082,438, G>A. VCF-style: chr13-113082438-G-A. GRCh37 (hg19) VCF-style: chr13-113736752-G-A.
Other names: c.1881G>A, p.Ala627= (NM_001320815.2, NM_001320817.2, NM_024979.5); c.1899G>A, p.Ala633= (NM_001320816.2); c.1800G>A, p.Ala600= (NM_001366644.2); c.1773G>A, p.Ala591= (NM_001366645.2, NM_001366646.2).
Identifiers: ClinVar variation 2643977 (VCV002643977.24), dbSNP rs564168801, ClinGen allele CA7059073.

ClinVar aggregate classification (germline): Likely benign (1 of 4 stars; one submission).

Allele frequency attached by ClinVar (database versions not stated): TOPMed 0.00008; gnomAD exomes 0.00009; gnomAD 0.00014; ExAC 0.00031; 1000 Genomes Project 30x 0.00156; 1000 Genomes Project 0.00180.
gnomAD v4.1: 160 of 1,612,882 alleles (0.0099%); highest among the groups gnomAD compares: South Asian, 0.11%; no homozygotes.

Submission:

CeGaT Center for Human Genetics Tuebingen
Classification: Likely benign. Last evaluated: 2022-07-01. Review status: criteria provided, single submitter. Criteria: CeGaT Center For Human Genetics Tuebingen Variant Classification Criteria Version 2. Collection method: clinical testing. Allele origin: germline. Affected: yes. Observed: 1 variant allele.
Comment: MCF2L: BP4, BP7